The following is an entry in ClinVar:

ClinVar aggregate classification (germline): Likely pathogenic (1 of 4 stars; one submission).

Submission:

Labcorp Genetics (formerly Invitae), Labcorp
Classification: Likely pathogenic. Last evaluated: 2025-04-09. Review status: criteria provided, single submitter. Criteria: Invitae Variant Classification Sherloc (09022015). Collection method: clinical testing. Allele origin: germline.
Comment: This sequence change affects a donor splice site in intron 5 of the MTHFD1 gene. It is expected to disrupt RNA splicing. Variants that disrupt the donor or acceptor splice site typically lead to a loss of protein function (PMID: 16199547), and loss-of-function variants in MTHFD1 are known to be pathogenic (PMID: 21813566, 25633902). This variant is not present in population databases (gnomAD no frequency). This variant has not been reported in the literature in individuals affected with MTHFD1-related conditions. Algorithms developed to predict the effect of sequence changes on RNA splicing suggest that this variant may disrupt the consensus splice site. In summary, the currently available evidence indicates that the variant is pathogenic, but additional data are needed to prove that conclusively. Therefore, this variant has been classified as Likely Pathogenic.

Literature cited by the submitters: PubMed 16199547; PubMed 21813566; PubMed 25633902.

NM_005956.4(MTHFD1):c.377+1G>C

Gene: MTHFD1 (methylenetetrahydrofolate dehydrogenase, cyclohydrolase and formyltetrahydrofolate synthetase 1; plus strand). Cytogenetic location: 14q23.3.
Variant type: single nucleotide variant.
Coding change: c.377+1G>C on transcript NM_005956.4 (MANE Select); the canonical splice donor site of the intron after coding-DNA position 377, G replaced by C.
Molecular consequence: splice donor variant.
Genome position (GRCh38, 1-based): chr14:64,415,495, G>C. VCF-style: chr14-64415495-G-C. GRCh37 (hg19) VCF-style: chr14-64882213-G-C.
Other names: c.377+1G>C (NM_001364837.1).
Identifiers: ClinVar variation 4799620 (VCV004799620.1).